The following is an entry in ClinVar:

ClinVar aggregate classification (germline): Likely benign. Review status: criteria provided, multiple submitters, no conflicts (2 of 4 stars). 11 submissions from 11 submitters: Likely benign (10). 1 of the submissions does not count toward it. Last evaluated 2025-12-01.

Conditions:
MYH7-related disorder. Also called: MYH7-related condition; MYH7-related disease; MYH7-related disorders.
Hypertrophic cardiomyopathy 1 (CMH1). Also called: Familial hypertrophic cardiomyopathy 1; MYH7-Related Familial Hypertrophic Cardiomyopathy. Identifiers: MedGen C3495498, MONDO:0008647, OMIM 192600.
Myopathy, myosin storage, autosomal recessive (CMYO7B). Also called: CONGENITAL MYOPATHY 7B, MYOSIN STORAGE, AUTOSOMAL RECESSIVE. Identifiers: Orphanet 636970, MedGen C1850709, MONDO:0009708, OMIM 255160.
Myosin storage myopathy (CMYO7A). Also called: MYOPATHY WITH LYSIS OF TYPE I MYOFIBRILS; MYOPATHY, HYALINE BODY, AUTOSOMAL DOMINANT; SCAPULOPERONEAL MUSCULAR DYSTROPHY; SCAPULOPERONEAL SYNDROME, MYOPATHIC TYPE; MYH7-related late-onset scapuloperoneal muscular dystrophy; Congenital myopathy 7A, myosin storage, autosomal dominant. Identifiers: Orphanet 437572, Orphanet 636965, MedGen C1842160, MONDO:0008409, OMIM 608358.
Dilated cardiomyopathy 1S (CMD1S). Identifiers: Orphanet 154, Orphanet 54260, MedGen C1834481, MONDO:0013262, OMIM 613426.
MYH7-related skeletal myopathy. Also called: Myopathy, distal, 1; Laing distal myopathy; MYOPATHY, DISTAL, EARLY-ONSET, AUTOSOMAL DOMINANT; MYOPATHY, LATE DISTAL HEREDITARY; Laing early-onset distal myopathy. Identifiers: Orphanet 59135, MedGen C4552004, MONDO:0008050, OMIM 160500.
Congenital myopathy with fiber type disproportion. Also called: Congenital fiber-type disproportion myopathy; Congenital fiber-type disproportion. Identifiers: Orphanet 2020, MedGen C0546264, MONDO:0009711. Inheritance: all.
Cardiovascular phenotype. Identifiers: MedGen CN230736.
Cardiomyopathy (CMYO). Also called: Cardiomyopathies. Identifiers: Orphanet 167848, MedGen C0878544, MONDO:0004994, HP:0001638. Inheritance: Various modes of inheritance.
Hypertrophic cardiomyopathy. Also called: HYPERTROPHIC MYOCARDIOPATHY. Identifiers: Orphanet 217569, MedGen C0007194, MeSH D002312, MONDO:0005045, HP:0001639.

Allele frequency attached by ClinVar (database versions not stated): ExAC 0.00002; gnomAD 0.00004 and 0.00005; gnomAD exomes 0.00005; TOPMed 0.00007.
gnomAD v4.1: 85 of 1,613,640 alleles (0.0053%); highest among the groups gnomAD compares: East Asian, 0.031%; no homozygotes.

Submissions (11):

Labcorp Genetics (formerly Invitae), Labcorp
Classification: Likely benign for Hypertrophic cardiomyopathy. Last evaluated: 2025-12-01. Review status: criteria provided, single submitter. Criteria: Invitae Variant Classification Sherloc (09022015). Collection method: clinical testing. Allele origin: germline.

Blueprint Genetics
Classification: Likely benign. Last evaluated: 2024-10-31. Review status: criteria provided, single submitter. Criteria: ACMG Guidelines, 2015. Collection method: clinical testing. Allele origin: germline.

All of Us Research Program, National Institutes of Health
Classification: Likely benign for Cardiomyopathy. Last evaluated: 2023-12-18. Review status: criteria provided, single submitter. Criteria: ACMG Guidelines, 2015. Collection method: clinical testing. Allele origin: germline. Inheritance: Autosomal dominant inheritance. Observed: 10 variant alleles, 10 heterozygotes.
Comment: This study involves interpretation of variants in research participants for the purpose of population health screening. Participant phenotype was not available at the time of variant classification. Additional details can be found in publication PMID: 35346344, PMCID: PMC8962531

CeGaT Center for Human Genetics Tuebingen
Classification: Likely benign. Last evaluated: 2023-09-01. Review status: criteria provided, single submitter. Criteria: CeGaT Center For Human Genetics Tuebingen Variant Classification Criteria Version 2. Collection method: clinical testing. Allele origin: germline. Affected: yes. Observed: 1 variant allele.
Comment: MYH7: BP4, BP7

CHEO Genetics Diagnostic Laboratory, Children's Hospital of Eastern Ontario
Classification: Likely benign for Cardiomyopathy. Last evaluated: 2023-03-23. Review status: criteria provided, single submitter. Criteria: ACMG Guidelines, 2015. Collection method: clinical testing. Allele origin: germline. Study: Canadian Open Genetics Repository.

Fulgent Genetics
Classification: Likely benign for MYH7-related skeletal myopathy; Myosin storage myopathy; Hypertrophic cardiomyopathy 1; Myopathy, myosin storage, autosomal recessive; Congenital myopathy 4A, autosomal dominant; Dilated cardiomyopathy 1S. Last evaluated: 2021-08-15. Review status: criteria provided, single submitter. Criteria: ACMG Guidelines, 2015. Collection method: clinical testing. Allele origin: unknown.

Color Diagnostics, LLC DBA Color Health
Classification: Likely benign for Cardiomyopathy. Last evaluated: 2019-04-01. Review status: criteria provided, single submitter. Criteria: ACMG Guidelines, 2015. Collection method: clinical testing. Allele origin: germline.

Ambry Genetics
Classification: Likely benign for Cardiovascular phenotype. Last evaluated: 2018-10-25. Review status: criteria provided, single submitter. Criteria: Ambry Variant Classification Scheme 2023. Collection method: clinical testing. Allele origin: germline.

GeneDx
Classification: Likely benign. Last evaluated: 2018-04-12. Review status: criteria provided, single submitter. Criteria: GeneDx Variant Classification (06012015). Collection method: clinical testing. Allele origin: germline. Affected: yes.
Comment: This variant is considered likely benign or benign based on one or more of the following criteria: it is a conservative change, it occurs at a poorly conserved position in the protein, it is predicted to be benign by multiple in silico algorithms, and/or has population frequency not consistent with disease.

Laboratory for Molecular Medicine, Mass General Brigham Personalized Medicine
Classification: Likely benign. Last evaluated: 2009-10-01. Review status: criteria provided, single submitter. Criteria: LMM Criteria. Collection method: clinical testing. Allele origin: germline. Observed: 1 variant allele.

PreventionGenetics, part of Exact Sciences
Classification: Likely benign for MYH7-related condition. Last evaluated: 2020-11-15. Review status: no assertion criteria provided. Collection method: clinical testing. Allele origin: germline. Not counted in ClinVar's aggregate classification.
Comment: This variant is classified as likely benign based on ACMG/AMP sequence variant interpretation guidelines (Richards et al. 2015 PMID: 25741868, with internal and published modifications).

NM_000257.4(MYH7):c.4077C>T (p.Arg1359=)

Gene: MYH7 (myosin heavy chain 7; minus strand). Cytogenetic location: 14q11.2.
Variant type: single nucleotide variant.
Coding change: c.4077C>T on transcript NM_000257.4 (MANE Select); coding-DNA position 4077, C replaced by T.
Protein change: p.Arg1359=; no amino-acid change (arginine 1359 retained).
Molecular consequence: synonymous variant.
Genome position (GRCh38, 1-based): chr14:23,418,302, G>A on the plus strand (C>T on the coding strand, the complement: MYH7 is on the minus strand). VCF-style: chr14-23418302-G-A. GRCh37 (hg19) VCF-style: chr14-23887511-G-A.
Identifiers: ClinVar variation 42990 (VCV000042990.49), dbSNP rs45523835, ClinGen allele CA014428.